The following is an entry in ClinVar:

NM_032119.4(ADGRV1):c.9185-3C>T

Gene: ADGRV1 (adhesion G protein-coupled receptor V1; plus strand). Cytogenetic location: 5q14.3.
Variant type: single nucleotide variant.
Coding change: c.9185-3C>T on transcript NM_032119.4 (MANE Select); 3 bases into the intron before coding-DNA position 9185, C replaced by T.
Molecular consequence: intron variant.
Genome position (GRCh38, 1-based): chr5:90,716,464, C>T. VCF-style: chr5-90716464-C-T. GRCh37 (hg19) VCF-style: chr5-90012281-C-T.
Identifiers: ClinVar variation 1521110 (VCV001521110.3), dbSNP rs1403921758, ClinGen allele CA2573139993.

ClinVar aggregate classification (germline): Uncertain significance (1 of 4 stars; one submission).

gnomAD v4.1: 3 of 1,522,528 alleles (0.0002%); highest among the groups gnomAD compares: East Asian, 0.0023%; no homozygotes.

Submission:

Labcorp Genetics (formerly Invitae), Labcorp
Classification: Uncertain significance. Last evaluated: 2022-07-19. Review status: criteria provided, single submitter. Criteria: Invitae Variant Classification Sherloc (09022015). Collection method: clinical testing. Allele origin: germline.
Comment: This sequence change falls in intron 42 of the ADGRV1 gene. It does not directly change the encoded amino acid sequence of the ADGRV1 protein. It affects a nucleotide within the consensus splice site. This variant is not present in population databases (gnomAD no frequency). This variant has not been reported in the literature in individuals affected with ADGRV1-related conditions. ClinVar contains an entry for this variant (Variation ID: 1521110). Variants that disrupt the consensus splice site are a relatively common cause of aberrant splicing (PMID: 17576681, 9536098). Algorithms developed to predict the effect of sequence changes on RNA splicing suggest that this variant may disrupt the consensus splice site. In summary, the available evidence is currently insufficient to determine the role of this variant in disease. Therefore, it has been classified as a Variant of Uncertain Significance.

Literature cited by the submitters: PubMed 17576681; PubMed 9536098.